The following is an entry in ClinVar:

ClinVar aggregate classification (germline): Uncertain significance. Review status: criteria provided, multiple submitters, no conflicts (2 of 4 stars). 3 submissions from 3 submitters: Uncertain significance (3). Last evaluated 2023-06-30.

Conditions:
Autosomal recessive nonsyndromic hearing loss 1B. Also called: DEAFNESS, AUTOSOMAL RECESSIVE 1B. Identifiers: Orphanet 90636, MedGen C2675235, MONDO:0012977, OMIM 612645.
Hidrotic ectodermal dysplasia syndrome (GJB6). Also called: CLOUSTON HIDROTIC ECTODERMAL DYSPLASIA; Ectodermal dysplasia 2, hidrotic; Autosomal dominant hidrotic ectodermal dysplasia; Clouston syndrome; Clouston's hidrotic ectodermal dysplasia; Hidrotic ectodermal dysplasia. Identifiers: Orphanet 189, MedGen C0162361, MONDO:0007510, OMIM 129500.
Autosomal recessive nonsyndromic hearing loss 1A (DFNB1A). Also called: GJB6-Related DFNB 1 Nonsyndromic Hearing Loss and Deafness; Deafness, autosomal recessive 1A; Nonsyndromic Hearing Loss and Deafness, DFNB1; Connexin 26 deafness; Deafness nonsyndromic, Connexin 26 linked; GJB2-Related Autosomal Recessive Nonsyndromic Hearing Loss. Identifiers: Orphanet 90636, MedGen C2673759, MONDO:0009076, OMIM 220290.
Autosomal dominant nonsyndromic hearing loss 3B. Identifiers: Orphanet 90635, MedGen C2675237, MONDO:0012975, OMIM 612643.

Allele frequency attached by ClinVar (database versions not stated): TOPMed 0.00002.
gnomAD v4.1: 51 of 1,613,064 alleles (0.0032%); highest among the groups gnomAD compares: South Asian, 0.037%; no homozygotes.

Submissions (3):

Blueprint Genetics
Classification: Uncertain significance. Last evaluated: 2023-06-30. Review status: criteria provided, single submitter. Criteria: ACMG Guidelines, 2015. Collection method: clinical testing. Allele origin: germline.

Labcorp Genetics (formerly Invitae), Labcorp
Classification: Uncertain significance for Autosomal dominant nonsyndromic hearing loss 3B; Hidrotic ectodermal dysplasia syndrome; Autosomal recessive nonsyndromic hearing loss 1B; Autosomal recessive nonsyndromic hearing loss 1A. Last evaluated: 2018-08-17. Review status: criteria provided, single submitter. Criteria: Invitae Variant Classification Sherloc (09022015). Collection method: clinical testing. Allele origin: germline.
Comment: This sequence change replaces glutamic acid with glutamine at codon 101 of the GJB6 protein (p.Glu101Gln). The glutamic acid residue is moderately conserved and there is a small physicochemical difference between glutamic acid and glutamine. This variant is present in population databases (rs571454176, ExAC 0.02%). This variant has not been reported in the literature in individuals with GJB6-related disease. Algorithms developed to predict the effect of missense changes on protein structure and function (SIFT, PolyPhen-2, Align-GVGD) all suggest that this variant is likely to be tolerated, but these predictions have not been confirmed by published functional studies and their clinical significance is uncertain. In summary, the available evidence is currently insufficient to determine the role of this variant in disease. Therefore, it has been classified as a Variant of Uncertain Significance.

Neuberg Centre For Genomic Medicine, NCGM
Classification: Uncertain significance for Autosomal dominant nonsyndromic hearing loss 3B. Review status: criteria provided, single submitter. Criteria: ACMG Guidelines, 2015. Collection method: clinical testing. Allele origin: germline. Inheritance: Autosomal dominant inheritance. Affected: yes.
Comment: The missense variant c.301G>C (p.Glu101Gln) in GJB6 gene has been submitted to ClinVar as a Variant of Uncertain Significance, but no details are available for independent assessment. It has not been reported in affected individuals. The p.Glu101Gln variant is reported with the allele frequency (0.005%) in the gnomAD Exomes and is novel (not in any individuals) in 1000 Genomes. The amino acid Glu at position 101 is changed to a Gln changing protein sequence and it might alter its composition and physico-chemical properties. In silico tools predict the variant to be tolerated. The residue is conserved across species. The amino acid change p.Glu101Gln in GJB6 is predicted as conserved by GERP++ and PhyloP across 100 vertebrates. For these reasons, this variant has been classified as Variant of Uncertain Significance (VUS).

NM_001110219.3(GJB6):c.301G>C (p.Glu101Gln)

Gene: GJB6 (gap junction protein beta 6; minus strand). Cytogenetic location: 13q12.11.
Variant type: single nucleotide variant.
Coding change: c.301G>C on transcript NM_001110219.3 (MANE Select); coding-DNA position 301, G replaced by C.
Protein change: p.Glu101Gln; replaces glutamic acid 101 with glutamine.
Molecular consequence: missense variant.
Genome position (GRCh38, 1-based): chr13:20,223,180, C>G on the plus strand (G>C on the coding strand, the complement: GJB6 is on the minus strand). VCF-style: chr13-20223180-C-G. GRCh37 (hg19) VCF-style: chr13-20797319-C-G.
Other names: c.301G>C, p.Glu101Gln (NM_001110220.3, NM_001110221.3, NM_001370090.1 and 3 more transcripts); short protein forms E101Q.
Identifiers: ClinVar variation 663718 (VCV000663718.10), dbSNP rs571454176, ClinGen allele CA6904474.
Genomic context (GRCh38, chr13:20,223,180, plus strand): 5'-TGTCCTCTATGTCTTTGAAATCATTCCTCTTCTCTCCTCGCCTGAACTTGCGAGTGGTTT[C>G]GTGCCTGTAGTAGGCCACATGCATGGCCACCAGCAGCGCTGGGGTGGAGACGAAGATCAG-3'
Protein context (NP_001103689.1, residues 91-111): VAMHVAYYRH[Glu101Gln]TTRKFRRGEK